The following is an entry in ClinVar:

ClinVar aggregate classification (germline): Uncertain significance (1 of 4 stars; one submission).

Conditions:
3-methylglutaconic aciduria, type VIIB (MGCA7B). Also called: 3-methylglutaconic aciduria with cataracts, neurologic involvement and neutropenia; 3-methylglutaconic aciduria, type VII, with cataracts, neurologic involvement and neutropenia; CLPB Deficiency. Identifiers: Orphanet 445038, MedGen C5676893, MONDO:0014561, OMIM 616271.

Allele frequency attached by ClinVar (database versions not stated): TOPMed 0.00002; gnomAD exomes 0.00007; ESP Exome Variant Server 0.00008; 1000 Genomes Project 30x 0.00016; gnomAD 0.00019.
gnomAD v4.1: 135 of 1,611,366 alleles (0.0084%); highest among the groups gnomAD compares: Non-Finnish European, 0.0042%; no homozygotes.

Submission:

Labcorp Genetics (formerly Invitae), Labcorp
Classification: Uncertain significance for 3-methylglutaconic aciduria, type VIIB. Last evaluated: 2026-01-19. Review status: criteria provided, single submitter. Criteria: Invitae Variant Classification Sherloc (09022015). Collection method: clinical testing. Allele origin: germline.
Comment: This sequence change replaces glutamic acid, which is acidic and polar, with alanine, which is neutral and non-polar, at codon 44 of the CLPB protein (p.Glu44Ala). This variant is present in population databases (rs148481246, gnomAD 0.09%). This variant has not been reported in the literature in individuals affected with CLPB-related conditions. ClinVar contains an entry for this variant (Variation ID: 1963593). An algorithm developed to predict the effect of missense changes on protein structure and function outputs the following: PolyPhen-2: "Benign". The alanine amino acid residue is found in multiple mammalian species, which suggests that this missense change does not adversely affect protein function. In summary, the available evidence is currently insufficient to determine the role of this variant in disease. Therefore, it has been classified as a Variant of Uncertain Significance.

NM_001258392.3(CLPB):c.131A>C (p.Glu44Ala)

Genes: CLPB (ClpB family mitochondrial disaggregase; minus strand), LOC130006336 (ATAC-STARR-seq lymphoblastoid active region 5191; plus strand). Cytogenetic location: 11q13.4.
Variant type: single nucleotide variant.
Coding change: c.131A>C on transcript NM_001258392.3 (MANE Select); coding-DNA position 131, A replaced by C.
Protein change: p.Glu44Ala; replaces glutamic acid 44 with alanine.
Molecular consequence: missense variant. On other transcripts: 5 prime UTR variant (1).
Genome position (GRCh38, 1-based): chr11:72,434,344, T>G on the plus strand (A>C on the coding strand, the complement: CLPB is on the minus strand). VCF-style: chr11-72434344-T-G. GRCh37 (hg19) VCF-style: chr11-72145388-T-G.
Other names: c.131A>C, p.Glu44Ala (NM_001258393.3, NM_030813.6); c.-112A>C (NM_001258394.3); short protein forms E44A.
Identifiers: ClinVar variation 1963593 (VCV001963593.5), dbSNP rs148481246, ClinGen allele CA6171670.